The following is an entry in ClinVar:

ClinVar aggregate classification (germline): Uncertain significance (1 of 4 stars; one submission).

Conditions:
Cardiomyopathy (CMYO). Also called: Cardiomyopathies. Identifiers: Orphanet 167848, MedGen C0878544, MONDO:0004994, HP:0001638. Inheritance: Various modes of inheritance.

Submission:

Color Diagnostics, LLC DBA Color Health
Classification: Uncertain significance for Cardiomyopathy. Last evaluated: 2024-03-06. Review status: criteria provided, single submitter. Criteria: ACMG Guidelines, 2015. Collection method: clinical testing. Allele origin: germline.
Comment: This missense variant replaces valine with isoleucine at codon 108 of the TMEM43 protein. Computational prediction suggests that this variant may not impact protein structure and function (internally defined REVEL score threshold <= 0.5, PMID: 27666373). To our knowledge, functional studies have not been reported for this variant. This variant has not been reported in individuals affected with cardiovascular disorders in the literature. This variant has not been identified in the general population by the Genome Aggregation Database (gnomAD). The available evidence is insufficient to determine the role of this variant in disease conclusively. Therefore, this variant is classified as a Variant of Uncertain Significance.

NM_024334.3(TMEM43):c.322G>A (p.Val108Ile)

Gene: TMEM43 (transmembrane protein 43; plus strand). Cytogenetic location: 3p25.1.
Variant type: single nucleotide variant.
Coding change: c.322G>A on transcript NM_024334.3 (MANE Select); coding-DNA position 322, G replaced by A.
Protein change: p.Val108Ile; replaces valine 108 with isoleucine.
Molecular consequence: missense variant.
Genome position (GRCh38, 1-based): chr3:14,131,604, G>A. VCF-style: chr3-14131604-G-A. GRCh37 (hg19) VCF-style: chr3-14173104-G-A.
Other names: short protein forms V108I.
Identifiers: ClinVar variation 1332275 (VCV001332275.3), dbSNP rs2124987801, ClinGen allele CA351534807.